The following is an entry in ClinVar:

ClinVar aggregate classification (germline): Benign/Likely benign. Review status: criteria provided, multiple submitters, no conflicts (2 of 4 stars). 13 submissions from 11 submitters: Benign (1); Likely benign (9). 3 of the submissions do not count toward it. Last evaluated 2026-01-20.

Conditions:
Usher syndrome type 2A. Also called: RETINAL DISEASE IN USHER SYNDROME TYPE IIA, MODIFIER OF; USHER SYNDROME, TYPE IIA. Identifiers: Orphanet 231178, Orphanet 886, MedGen C1848634, MONDO:0010169, OMIM 276901.
Retinitis pigmentosa 39 (RP39). Identifiers: Orphanet 791, MedGen C3151138, MONDO:0013436, OMIM 613809.
Retinal dystrophy. Also called: Inherited retinal dystrophy. Identifiers: Orphanet 71862, MedGen C0854723, MeSH D058499, MONDO:0019118, HP:0000556.
USH2A-related disorder. Also called: USH2A-related condition; USH2A-related disorders. Identifiers: MedGen CN239332.
Retinitis pigmentosa (RP). Identifiers: Orphanet 791, MedGen C0035334, MeSH D012174, MONDO:0019200, OMIM 268000. Inheritance: Autosomal dominant, autosomal recessive and X linked inheritance.

Allele frequency attached by ClinVar (database versions not stated): gnomAD 0.00011 and 0.00016; gnomAD exomes 0.00012 and 0.00043; TOPMed 0.00022; ExAC 0.00047; 1000 Genomes Project 30x 0.00078; 1000 Genomes Project 0.00100.
gnomAD v4.1: 198 of 1,614,000 alleles (0.012%); highest among the groups gnomAD compares: East Asian, 0.42%; no homozygotes.

Submissions (13):

Labcorp Genetics (formerly Invitae), Labcorp
Classification: Benign. Last evaluated: 2026-01-20. Review status: criteria provided, single submitter. Criteria: Invitae Variant Classification Sherloc (09022015). Collection method: clinical testing. Allele origin: germline.

CeGaT Center for Human Genetics Tuebingen
Classification: Likely benign. Last evaluated: 2025-10-01. Review status: criteria provided, single submitter. Criteria: CeGaT Center For Human Genetics Tuebingen Variant Classification Criteria Version 2. Collection method: clinical testing. Allele origin: germline. Affected: yes. Observed: 4 variant alleles.
Comment: USH2A: BP4, BP7

Blueprint Genetics
Classification: Likely benign. Last evaluated: 2024-11-26. Review status: criteria provided, single submitter. Criteria: ACMG Guidelines, 2015. Collection method: clinical testing. Allele origin: germline.

PreventionGenetics, part of Exact Sciences
Classification: Likely benign for USH2A-related condition. Last evaluated: 2024-10-22. Review status: criteria provided, single submitter. Criteria: ACMG Guidelines, 2015. Collection method: clinical testing. Allele origin: germline.
Comment: This variant is classified as likely benign based on ACMG/AMP sequence variant interpretation guidelines (Richards et al. 2015 PMID: 25741868, with internal and published modifications).

Genome-Nilou Lab
Classification: Likely benign for Retinitis pigmentosa 39. Last evaluated: 2023-11-04. Review status: criteria provided, single submitter. Criteria: ACMG Guidelines, 2015. Collection method: clinical testing. Allele origin: germline. Affected: no.

Genome-Nilou Lab
Classification: Likely benign for Usher syndrome type 2A. Last evaluated: 2023-11-04. Review status: criteria provided, single submitter. Criteria: ACMG Guidelines, 2015. Collection method: clinical testing. Allele origin: germline. Affected: no.

Dept Of Ophthalmology, Nagoya University
Classification: Likely benign for Retinal dystrophy. Last evaluated: 2023-10-01. Review status: criteria provided, single submitter. Criteria: Submitter's publication. Collection method: research. Allele origin: germline. Affected: yes.

GeneDx
Classification: Likely benign. Last evaluated: 2021-01-14. Review status: criteria provided, single submitter. Criteria: GeneDx Variant Classification Process June 2021. Collection method: clinical testing. Allele origin: germline. Affected: yes.
Comment: This variant is associated with the following publications: (PMID: 20309401, 19023448)

Illumina Laboratory Services, Illumina
Classification: Likely benign for Retinitis pigmentosa. Last evaluated: 2017-04-28. Review status: criteria provided, single submitter. Criteria: ICSL Variant Classification Criteria 13 December 2019. Collection method: clinical testing. Allele origin: germline.
Comment: This variant was observed as part of a predisposition screen in an ostensibly healthy population. A literature search was performed for the gene, cDNA change, and amino acid change (where applicable). Publications were found based on this search. The evidence from the literature, in combination with allele frequency data from public databases where available, was sufficient to determine this variant is unlikely to cause disease. Therefore, this variant is classified as likely benign.

Illumina Laboratory Services, Illumina
Classification: Likely benign for Usher syndrome type 2A. Last evaluated: 2017-04-28. Review status: criteria provided, single submitter. Criteria: ICSL Variant Classification Criteria 13 December 2019. Collection method: clinical testing. Allele origin: germline.
Comment: the same text as in the submission from Illumina Laboratory Services, Illumina above.

Natera, Inc.
Classification: Uncertain significance for Usher syndrome type 2A. Last evaluated: 2020-01-03. Review status: no assertion criteria provided. Collection method: clinical testing. Allele origin: germline. Not counted in ClinVar's aggregate classification.

Clinical Genetics DNA and cytogenetics Diagnostics Lab, Erasmus MC, Erasmus Medical Center
Classification: Likely benign. Review status: no assertion criteria provided. Collection method: clinical testing. Allele origin: germline. Affected: yes. Study: VKGL Data-share Consensus. Not counted in ClinVar's aggregate classification.

Clinical Genetics, Academic Medical Center
Classification: Benign. Review status: no assertion criteria provided. Collection method: clinical testing. Allele origin: germline. Affected: yes. Study: VKGL Data-share Consensus. Not counted in ClinVar's aggregate classification.

Literature cited by the submitters: PubMed 20309401 (cited by Illumina Laboratory Services, Illumina); PubMed 19023448 (cited by Illumina Laboratory Services, Illumina).

NM_206933.4(USH2A):c.1935A>T (p.Thr645=)

Gene: USH2A (usherin; minus strand). Cytogenetic location: 1q41.
Variant type: single nucleotide variant.
Coding change: c.1935A>T on transcript NM_206933.4 (MANE Select); coding-DNA position 1935, A replaced by T.
Protein change: p.Thr645=; no amino-acid change (threonine 645 retained).
Molecular consequence: synonymous variant.
Genome position (GRCh38, 1-based): chr1:216,289,316, T>A on the plus strand (A>T on the coding strand, the complement: USH2A is on the minus strand). VCF-style: chr1-216289316-T-A. GRCh37 (hg19) VCF-style: chr1-216462658-T-A.
Other names: c.1935A>T, p.Thr645= (NM_007123.6).
Identifiers: ClinVar variation 762338 (VCV000762338.50), dbSNP rs146670690, ClinGen allele CA1396353.
Genomic context (GRCh38, chr1:216,289,316, plus strand): 5'-CCTTAAATACTCAGAAAAACTCACCTGATCACAAAGAATGCTACCATTTCTAGTGCCAAC[T>A]GTATCACAGTCACAGGGTTTGCAAACATCTATGGCCGAAGGATCTGCACCAACTTGTCGG-3'
Protein context (NP_996816.3, residues 635-655): IDVCKPCDCD[Thr645=]VGTRNGSILC